The following is an entry in ClinVar:

ClinVar aggregate classification (germline): Pathogenic. Review status: criteria provided, multiple submitters, no conflicts (2 of 4 stars). 2 submissions from 2 submitters: Pathogenic (2). Last evaluated 2019-10-30.

Conditions:
Familial Mediterranean fever (FMF). Also called: POLYSEROSITIS, FAMILIAL PAROXYSMAL; POLYSEROSITIS, RECURRENT; Periodic peritonitis; Benign paroxysmal peritonitis. Identifiers: Orphanet 342, MedGen C0031069, MONDO:0018088, OMIM 249100. Disease mechanism: gain of function.

Submissions (2):

ARUP Laboratories, Molecular Genetics and Genomics, ARUP Laboratories
Classification: Pathogenic for Familial Mediterranean fever. Last evaluated: 2019-10-30. Review status: criteria provided, single submitter. Criteria: ARUP Molecular Germline Variant Investigation Process. Collection method: clinical testing. Allele origin: germline.
Comment: The MEFV c.[501G>C;1437C>G]; p.[Glu167Asp;Phe479Leu] variant is a complex allele consisting of two changes on the same chromosome, p.Glu167Asp and p.Phe479Leu. Although p.Phe479Leu has been reported on its own, to the best of our knowledge p.Glu167Asp has only been reported as a complex allele with p.Phe479Leu. The complex variant has been published in the literature in both the homozygous and compound heterozygous state in individuals affected with familial Mediterranean fever (Bernot 1998, Bonyadi 2009, Mansour 2001, Neocleous 2015) and is one of the most common pathogenic MEFV variants in the Cypriot populations (Neocleous 2015). Based on available information, this variant is considered to be pathogenic.

Women's Health and Genetics/Laboratory Corporation of America, LabCorp
Classification: Pathogenic for Familial Mediterranean fever. Last evaluated: 2016-06-24. Review status: criteria provided, single submitter. Criteria: LabCorp Variant Classification Summary - May 2015. Collection method: clinical testing. Allele origin: germline.
Comment: Variant summary: This complex allele is a common pathogenic variant in Turkey and Cyprus regions. Although the exact frequency of this allele in ExAC controls is not clear, the highest possible frequency is 0.0000341, suggesting this complex allele is rare in controls. This allele has been reported in at least 58 chromosomes from FMF patients. Both missense variants in this allele are classified as pathogenic by OMIM. Taken together, this complex allele is classified as pathogenic.

Literature cited by the submitters: PubMed 19863562 (cited by Women's Health and Genetics/Laboratory Corporation of America, LabCorp); PubMed 12180071 (cited by Women's Health and Genetics/Laboratory Corporation of America, LabCorp); PubMed 25393764 (cited by Women's Health and Genetics/Laboratory Corporation of America, LabCorp); PubMed 9668175 (cited by Women's Health and Genetics/Laboratory Corporation of America, LabCorp); PubMed 10364520 (cited by Women's Health and Genetics/Laboratory Corporation of America, LabCorp).

NM_000243.2(MEFV):c.[1437C>G;501G>C]

Variant type: Haplotype.
Identifiers: ClinVar variation 495755 (VCV000495755.9).